The following is an entry in ClinVar:

NM_001142864.4(PIEZO1):c.4495+4C>T

Gene: PIEZO1 (piezo type mechanosensitive ion channel component 1 (Er blood group); minus strand). Cytogenetic location: 16q24.3.
Variant type: single nucleotide variant.
Coding change: c.4495+4C>T on transcript NM_001142864.4 (MANE Select); 4 bases into the intron after coding-DNA position 4495, C replaced by T.
Molecular consequence: intron variant.
Genome position (GRCh38, 1-based): chr16:88,723,091, G>A on the plus strand (C>T on the coding strand, the complement: PIEZO1 is on the minus strand). VCF-style: chr16-88723091-G-A. GRCh37 (hg19) VCF-style: chr16-88789499-G-A.
Other names: p.?.
Identifiers: ClinVar variation 790426 (VCV000790426.54), dbSNP rs140520334, ClinGen allele CA8232131.
Genomic context (GRCh38, chr16:88,723,091, plus strand): 5'-CGCTGGAGGGGCAGCCTGTGGGGCCAAGAGAGACCTCCCACTCCCCAGCCCCGGGCCCAC[G>A]TACCTGCCGCTGCCTCCTCGGGGCCCTCTGCTGGCTCCACCTCCTGGCTGGGACCACCTC-3'

ClinVar aggregate classification (germline): Likely benign. Review status: criteria provided, multiple submitters, no conflicts (2 of 4 stars). 9 submissions from 9 submitters: Likely benign (5). 4 of the submissions do not count toward it. Last evaluated 2026-07-01.

Conditions:
PIEZO1-related disorder. Also called: PIEZO1-related condition; PIEZO1-Related Disorders.

Allele frequency attached by ClinVar (database versions not stated): 1000 Genomes Project 30x 0.00156; 1000 Genomes Project 0.00160; ExAC 0.00372; TOPMed 0.00428; gnomAD 0.00562; ESP Exome Variant Server 0.00659.
gnomAD v4.1: 9,847 of 1,547,388 alleles (0.64%); highest among the groups gnomAD compares: Non-Finnish European, 0.78%; 40 homozygotes.

Submissions (9):

CeGaT Center for Human Genetics Tuebingen
Classification: Likely benign. Last evaluated: 2026-07-01. Review status: criteria provided, single submitter. Criteria: CeGaT Center For Human Genetics Tuebingen Variant Classification Criteria Version 2. Collection method: clinical testing. Allele origin: germline. Affected: yes. Observed: 15 variant alleles.
Comment: PIEZO1: BP4, BS2

Labcorp Genetics (formerly Invitae), Labcorp
Classification: Likely benign. Last evaluated: 2026-01-17. Review status: criteria provided, single submitter. Criteria: Invitae Variant Classification Sherloc (09022015). Collection method: clinical testing. Allele origin: germline.

Mayo Clinic Laboratories, Mayo Clinic
Classification: Likely benign. Last evaluated: 2025-08-13. Review status: criteria provided, single submitter. Criteria: ACMG Guidelines, 2015. Collection method: clinical testing. Allele origin: germline. Observed: 15 variant alleles.

ARUP Laboratories, Molecular Genetics and Genomics, ARUP Laboratories
Classification: Likely benign. Last evaluated: 2025-07-03. Review status: criteria provided, single submitter. Criteria: ARUP Molecular Germline Variant Investigation Process 2024. Collection method: clinical testing. Allele origin: germline.

Blueprint Genetics
Classification: Likely benign. Last evaluated: 2024-11-21. Review status: criteria provided, single submitter. Criteria: ACMG Guidelines, 2015. Collection method: clinical testing. Allele origin: germline.

PreventionGenetics, part of Exact Sciences
Classification: Benign for PIEZO1-related condition. Last evaluated: 2020-02-04. Review status: no assertion criteria provided. Collection method: clinical testing. Allele origin: germline. Not counted in ClinVar's aggregate classification.
Comment: This variant is classified as benign based on ACMG/AMP sequence variant interpretation guidelines (Richards et al. 2015 PMID: 25741868, with internal and published modifications).

Clinical Genetics DNA and cytogenetics Diagnostics Lab, Erasmus MC, Erasmus Medical Center
Classification: Likely benign. Review status: no assertion criteria provided. Collection method: clinical testing. Allele origin: germline. Affected: yes. Study: VKGL Data-share Consensus. Not counted in ClinVar's aggregate classification.

Clinical Genetics, Academic Medical Center
Classification: Likely benign. Review status: no assertion criteria provided. Collection method: clinical testing. Allele origin: germline. Affected: yes. Study: VKGL Data-share Consensus. Not counted in ClinVar's aggregate classification.

Laboratory of Diagnostic Genome Analysis, Leiden University Medical Center (LUMC)
Classification: Likely benign. Review status: no assertion criteria provided. Collection method: clinical testing. Allele origin: germline. Affected: yes. Study: VKGL Data-share Consensus. Not counted in ClinVar's aggregate classification.